The following is an entry in ClinVar:

ClinVar aggregate classification (germline): Conflicting classifications of pathogenicity. Review status: criteria provided, conflicting classifications (1 of 4 stars). 2 submissions from 2 submitters: Uncertain significance (1); Likely benign (1). Last evaluated 2024-05-20.

Allele frequency attached by ClinVar (database versions not stated): gnomAD 0.00001; ExAC 0.00002; gnomAD exomes 0.00002; TOPMed 0.00002.

Submissions (2):

Women's Health and Genetics/Laboratory Corporation of America, LabCorp
Classification: Uncertain significance. Last evaluated: 2024-05-20. Review status: criteria provided, single submitter. Criteria: LabCorp Variant Classification Summary - May 2015. Collection method: clinical testing. Allele origin: germline.
Comment: Variant summary: ALG11 c.646G>A (p.Gly216Arg) results in a non-conservative amino acid change located in the ALG11 mannosyltransferase, N-terminal domain (IPR031814) of the encoded protein sequence. Four of five in-silico tools predict a benign effect of the variant on protein function. The variant allele was found at a frequency of 8e-06 in 251246 control chromosomes. The available data on variant occurrences in the general population are insufficient to allow any conclusion about variant significance. To our knowledge, no occurrence of c.646G>A in individuals affected with ALG11-Congenital Disorder Of Glycosylation and no experimental evidence demonstrating its impact on protein function have been reported. ClinVar contains an entry for this variant (Variation ID: 2643824). Based on the evidence outlined above, the variant was classified as uncertain significance.

CeGaT Center for Human Genetics Tuebingen
Classification: Likely benign. Last evaluated: 2023-02-01. Review status: criteria provided, single submitter. Criteria: CeGaT Center For Human Genetics Tuebingen Variant Classification Criteria Version 2. Collection method: clinical testing. Allele origin: germline. Affected: yes. Observed: 1 variant allele.
Comment: ALG11: BP4

NM_001004127.3(ALG11):c.646G>A (p.Gly216Arg)

Gene: ALG11 (ALG11 alpha-1,2-mannosyltransferase; plus strand). Cytogenetic location: 13q14.3.
Variant type: single nucleotide variant.
Coding change: c.646G>A on transcript NM_001004127.3 (MANE Select); coding-DNA position 646, G replaced by A.
Protein change: p.Gly216Arg; replaces glycine 216 with arginine.
Molecular consequence: missense variant.
Genome position (GRCh38, 1-based): chr13:52,024,376, G>A. VCF-style: chr13-52024376-G-A. GRCh37 (hg19) VCF-style: chr13-52598512-G-A.
Other names: short protein forms G216R.
Identifiers: ClinVar variation 2643824 (VCV002643824.23), dbSNP rs770392960, ClinGen allele CA6989946.